The following is an entry in ClinVar:

NM_170606.3(KMT2C):c.6216T>G (p.Tyr2072Ter)

Gene: KMT2C (lysine methyltransferase 2C; minus strand). Cytogenetic location: 7q36.1.
Variant type: single nucleotide variant.
Coding change: c.6216T>G on transcript NM_170606.3 (MANE Select); coding-DNA position 6216, T replaced by G.
Protein change: p.Tyr2072Ter; replaces tyrosine 2072 with a stop codon.
Molecular consequence: nonsense.
Genome position (GRCh38, 1-based): chr7:152,181,644, A>C on the plus strand (T>G on the coding strand, the complement: KMT2C is on the minus strand). VCF-style: chr7-152181644-A-C. GRCh37 (hg19) VCF-style: chr7-151878729-A-C.
Other names: short protein forms Y2072*.
Identifiers: ClinVar variation 852178 (VCV000852178.7), dbSNP rs2093437797, ClinGen allele CA370096063.

ClinVar aggregate classification (germline): Pathogenic (1 of 4 stars; one submission).

Submission:

Labcorp Genetics (formerly Invitae), Labcorp
Classification: Pathogenic. Last evaluated: 2019-12-24. Review status: criteria provided, single submitter. Criteria: Invitae Variant Classification Sherloc (09022015). Collection method: clinical testing. Allele origin: germline.
Comment: This variant is not present in population databases (ExAC no frequency). For these reasons, this variant has been classified as Pathogenic. Loss-of-function variants in KMT2C are known to be pathogenic (PMID: 29069077). Algorithms developed to predict the effect of sequence changes on RNA splicing suggest that this variant may create or strengthen a splice site, but this prediction has not been confirmed by published transcriptional studies. This variant has not been reported in the literature in individuals with KMT2C-related conditions. This sequence change creates a premature translational stop signal (p.Tyr2072*) in the KMT2C gene. It is expected to result in an absent or disrupted protein product.

Literature cited by the submitters: PubMed 29069077.